The following is an entry in ClinVar:

NM_024529.5(CDC73):c.149A>G (p.Gln50Arg)

Gene: CDC73 (cell division cycle 73; plus strand). Cytogenetic location: 1q31.2.
Variant type: single nucleotide variant.
Coding change: c.149A>G on transcript NM_024529.5 (MANE Select); coding-DNA position 149, A replaced by G.
Protein change: p.Gln50Arg; replaces glutamine 50 with arginine.
Molecular consequence: missense variant.
Genome position (GRCh38, 1-based): chr1:193,125,129, A>G. VCF-style: chr1-193125129-A-G. GRCh37 (hg19) VCF-style: chr1-193094259-A-G.
Other names: short protein forms Q50R.
Identifiers: ClinVar variation 646568 (VCV000646568.8), dbSNP rs1276311364, ClinGen allele CA343973064.

ClinVar aggregate classification (germline): Uncertain significance. Review status: criteria provided, multiple submitters, no conflicts (2 of 4 stars). 2 submissions from 2 submitters: Uncertain significance (2). Last evaluated 2025-12-17.

Conditions:
Hereditary cancer-predisposing syndrome. Also called: Neoplastic Syndromes, Hereditary; Hereditary neoplastic syndrome; Tumor predisposition; Hereditary Cancer Syndrome. Identifiers: Orphanet 140162, MedGen C0027672, MeSH D009386, MONDO:0015356.
Parathyroid carcinoma (PRTC). Also called: Parathyroid gland carcinoma; CDC73-Related Parathyroid Carcinoma. Identifiers: Orphanet 143, MedGen C0687150, MONDO:0012004, OMIM 608266, HP:0006780.

Allele frequency attached by ClinVar (database versions not stated): TOPMed 0.00001.

Submissions (2):

Ambry Genetics
Classification: Uncertain significance for Hereditary cancer-predisposing syndrome. Last evaluated: 2025-12-17. Review status: criteria provided, single submitter. Criteria: Ambry Variant Classification Scheme 2023. Collection method: clinical testing. Allele origin: germline.
Comment: The p.Q50R variant (also known as c.149A>G), located in coding exon 2 of the CDC73 gene, results from an A to G substitution at nucleotide position 149. The glutamine at codon 50 is replaced by arginine, an amino acid with highly similar properties. This amino acid position is conserved. In addition, this alteration is predicted to be tolerated by in silico analysis. Based on the available evidence, the clinical significance of this variant remains unclear.

Labcorp Genetics (formerly Invitae), Labcorp
Classification: Uncertain significance for Parathyroid carcinoma. Last evaluated: 2024-06-23. Review status: criteria provided, single submitter. Criteria: Invitae Variant Classification Sherloc (09022015). Collection method: clinical testing. Allele origin: germline.
Comment: This sequence change replaces glutamine, which is neutral and polar, with arginine, which is basic and polar, at codon 50 of the CDC73 protein (p.Gln50Arg). This variant is not present in population databases (gnomAD no frequency). This variant has not been reported in the literature in individuals affected with CDC73-related conditions. ClinVar contains an entry for this variant (Variation ID: 646568). Advanced modeling of protein sequence and biophysical properties (such as structural, functional, and spatial information, amino acid conservation, physicochemical variation, residue mobility, and thermodynamic stability) performed at Invitae indicates that this missense variant is not expected to disrupt CDC73 protein function with a negative predictive value of 80%. In summary, the available evidence is currently insufficient to determine the role of this variant in disease. Therefore, it has been classified as a Variant of Uncertain Significance.